The following is an entry in ClinVar:

NM_003059.3(SLC22A4):c.393+1G>A

Gene: SLC22A4 (solute carrier family 22 member 4; plus strand). Cytogenetic location: 5q31.1.
Variant type: single nucleotide variant.
Coding change: c.393+1G>A on transcript NM_003059.3 (MANE Select); the canonical splice donor site of the intron after coding-DNA position 393, G replaced by A.
Molecular consequence: splice donor variant.
Genome position (GRCh38, 1-based): chr5:132,295,010, G>A. VCF-style: chr5-132295010-G-A. GRCh37 (hg19) VCF-style: chr5-131630703-G-A.
Identifiers: ClinVar variation 1878310 (VCV001878310.2), dbSNP rs1304248566, ClinGen allele CA360813209.

ClinVar aggregate classification (germline): Uncertain significance. Review status: criteria provided, multiple submitters, no conflicts (2 of 4 stars). 2 submissions from 2 submitters: Uncertain significance (2). Last evaluated 2022-12-29.

Conditions:
SLC22A4-related disorder. Also called: SLC22A4-related condition.

Allele frequency attached by ClinVar (database versions not stated): gnomAD exomes 0.00001.

Submissions (2):

PreventionGenetics, part of Exact Sciences
Classification: Uncertain significance for SLC22A4-related condition. Last evaluated: 2022-12-29. Review status: criteria provided, single submitter. Criteria: ACMG Guidelines, 2015. Collection method: clinical testing. Allele origin: germline.
Comment: The SLC22A4 c.393+1G>A variant is predicted to disrupt the GT donor site and interfere with normal splicing. To our knowledge, this variant has not been reported in the literature. This variant is reported in 0.00099% of alleles in individuals of European (Non-Finnish) descent in gnomAD. At this time, the clinical significance of this variant is uncertain due to the absence of conclusive functional and genetic evidence.

Women's Health and Genetics/Laboratory Corporation of America, LabCorp
Classification: Uncertain significance. Last evaluated: 2022-12-15. Review status: criteria provided, single submitter. Criteria: LabCorp Variant Classification Summary - May 2015. Collection method: clinical testing. Allele origin: germline.
Comment: Variant summary: SLC22A4 c.393+1G>A is located in a canonical splice-site and is predicted to affect mRNA splicing resulting in a significantly altered protein due to either exon skipping, shortening, or inclusion of intronic material. Several computational tools predict a significant impact on normal splicing: Four predict the variant abolishes a 5' splicing donor site. However, these predictions have yet to be confirmed by functional studies. Additionally, the current clinical and genetic evidence is not sufficient to establish loss-of-function as a mechanism for SLC22A4-related diseases. The variant allele was found at a frequency of 4.4e-06 in 226764 control chromosomes. To our knowledge, no occurrence of c.393+1G>A in individuals affected with Rheumatoid Arthritis and no experimental evidence demonstrating its impact on protein function have been reported. No clinical diagnostic laboratories have submitted clinical-significance assessments for this variant to ClinVar after 2014. Based on the evidence outlined above, the variant was classified as VUS.